The following is an entry in ClinVar:

ClinVar aggregate classification (germline): Uncertain significance (1 of 4 stars; one submission).

Conditions:
Breast-ovarian cancer, familial, susceptibility to, 4. Identifiers: Orphanet 145, MedGen C3280345, MONDO:0013669, OMIM 614291.

Submission:

Labcorp Genetics (formerly Invitae), Labcorp
Classification: Uncertain significance for Breast-ovarian cancer, familial, susceptibility to, 4. Last evaluated: 2024-05-21. Review status: criteria provided, single submitter. Criteria: Invitae Variant Classification Sherloc (09022015). Collection method: clinical testing. Allele origin: germline.
Comment: This sequence change replaces glutamine, which is neutral and polar, with lysine, which is basic and polar, at codon 301 of the RAD51D protein (p.Gln301Lys). This variant is not present in population databases (gnomAD no frequency). This variant has not been reported in the literature in individuals affected with RAD51D-related conditions. An algorithm developed to predict the effect of missense changes on protein structure and function (PolyPhen-2) suggests that this variant is likely to be tolerated. In summary, the available evidence is currently insufficient to determine the role of this variant in disease. Therefore, it has been classified as a Variant of Uncertain Significance.

NM_002878.4(RAD51D):c.901C>A (p.Gln301Lys)

Genes: RAD51L3-RFFL (RAD51L3-RFFL readthrough; minus strand), RAD51D (RAD51 paralog D; minus strand). Cytogenetic location: 17q12.
Variant type: single nucleotide variant.
Coding change: c.901C>A on transcript NM_002878.4 (MANE Select); coding-DNA position 901, C replaced by A.
Protein change: p.Gln301Lys; replaces glutamine 301 with lysine.
Molecular consequence: missense variant. On other transcripts: non-coding transcript variant (3).
Genome position (GRCh38, 1-based): chr17:35,101,203, G>T on the plus strand (C>A on the coding strand, the complement: RAD51D is on the minus strand). VCF-style: chr17-35101203-G-T. GRCh37 (hg19) VCF-style: chr17-33428222-G-T.
Other names: c.961C>A, p.Gln321Lys (NM_001142571.2); c.565C>A, p.Gln189Lys (NM_133629.3); short protein forms Q301K, Q189K, Q321K.
Identifiers: ClinVar variation 3653984 (VCV003653984.2).
Genomic context (GRCh38, chr17:35,101,203, plus strand): 5'-GTATGGAAACCACCCTCCAGGGCCCAAGATTACTGGCATCTTCCTGGGGCTGGCTCACCT[G>T]TCGGGAAGATTTGGCCAGACACGCCATGCGCCGGCCGCCTGATGCTCCTGCTCCCTCGAT-3'
Protein context (NP_002869.3, residues 291-311): RMACLAKSSR[Gln301Lys]PTGFQEMVDI